The following is an entry in ClinVar:

NM_000124.4(ERCC6):c.3710A>T (p.Glu1237Val)

Gene: ERCC6 (ERCC excision repair 6, chromatin remodeling factor; minus strand). Cytogenetic location: 10q11.23.
Variant type: single nucleotide variant.
Coding change: c.3710A>T on transcript NM_000124.4 (MANE Select); coding-DNA position 3710, A replaced by T.
Protein change: p.Glu1237Val; replaces glutamic acid 1237 with valine.
Molecular consequence: missense variant.
Genome position (GRCh38, 1-based): chr10:49,470,250, T>A on the plus strand (A>T on the coding strand, the complement: ERCC6 is on the minus strand). VCF-style: chr10-49470250-T-A. GRCh37 (hg19) VCF-style: chr10-50678296-T-A.
Other names: c.3710A>T, p.Glu1237Val (NM_001346440.2); short protein forms E1237V.
Identifiers: ClinVar variation 2163676 (VCV002163676.3), dbSNP rs372743065, ClinGen allele CA5495294.

ClinVar aggregate classification (germline): Uncertain significance (1 of 4 stars; one submission).

Allele frequency attached by ClinVar (database versions not stated): ExAC 0.00001; gnomAD 0.00001; gnomAD exomes 0.00002; TOPMed 0.00002; ESP Exome Variant Server 0.00008.
gnomAD v4.1: 39 of 1,614,086 alleles (0.0024%); highest among the groups gnomAD compares: Non-Finnish European, 0.003%; no homozygotes.

Submission:

Labcorp Genetics (formerly Invitae), Labcorp
Classification: Uncertain significance. Last evaluated: 2025-01-13. Review status: criteria provided, single submitter. Criteria: Invitae Variant Classification Sherloc (09022015). Collection method: clinical testing. Allele origin: germline.
Comment: This sequence change replaces glutamic acid, which is acidic and polar, with valine, which is neutral and non-polar, at codon 1237 of the ERCC6 protein (p.Glu1237Val). This variant is present in population databases (rs372743065, gnomAD 0.003%). This variant has not been reported in the literature in individuals affected with ERCC6-related conditions. ClinVar contains an entry for this variant (Variation ID: 2163676). Invitae Evidence Modeling of protein sequence and biophysical properties (such as structural, functional, and spatial information, amino acid conservation, physicochemical variation, residue mobility, and thermodynamic stability) indicates that this missense variant is not expected to disrupt ERCC6 protein function with a negative predictive value of 80%. In summary, the available evidence is currently insufficient to determine the role of this variant in disease. Therefore, it has been classified as a Variant of Uncertain Significance.